The following is an entry in ClinVar:

ClinVar aggregate classification (germline): Uncertain significance (1 of 4 stars; one submission).

Conditions:
Hereditary cancer-predisposing syndrome. Also called: Tumor predisposition; Neoplastic Syndromes, Hereditary; Hereditary neoplastic syndrome; Hereditary Cancer Syndrome. Identifiers: Orphanet 140162, MedGen C0027672, MeSH D009386, MONDO:0015356.

Submission:

Ambry Genetics
Classification: Uncertain significance for Hereditary cancer-predisposing syndrome. Last evaluated: 2024-10-25. Review status: criteria provided, single submitter. Criteria: Ambry Variant Classification Scheme 2023. Collection method: clinical testing. Allele origin: germline.
Comment: The p.G193A variant (also known as c.578G>C), located in coding exon 3 of the SMARCA4 gene, results from a G to C substitution at nucleotide position 578. The glycine at codon 193 is replaced by alanine, an amino acid with similar properties. This amino acid position is conserved. In addition, the in silico prediction for this alteration is inconclusive. Based on the available evidence, the clinical significance of this variant remains unclear.

NM_003072.5(SMARCA4):c.578G>C (p.Gly193Ala)

Gene: SMARCA4 (SWI/SNF related BAF chromatin remodeling complex subunit ATPase 4; plus strand). Cytogenetic location: 19p13.2.
Variant type: single nucleotide variant.
Coding change: c.578G>C on transcript NM_003072.5 (MANE Select); coding-DNA position 578, G replaced by C.
Protein change: p.Gly193Ala; replaces glycine 193 with alanine.
Molecular consequence: missense variant. On other transcripts: non-coding transcript variant (1).
Genome position (GRCh38, 1-based): chr19:10,986,411, G>C. VCF-style: chr19-10986411-G-C. GRCh37 (hg19) VCF-style: chr19-11097087-G-C.
Other names: c.578G>C, p.Gly193Ala (NM_001128844.3, NM_001128845.2, NM_001128846.2 and 6 more transcripts); short protein forms G193A.
Identifiers: ClinVar variation 3445961 (VCV003445961.1).